The following is an entry in ClinVar:

ClinVar aggregate classification (germline): Uncertain significance (1 of 4 stars; one submission).

Conditions:
Aortic aneurysm, familial thoracic 7 (AAT7). Also called: AORTIC DISSECTION, FAMILIAL, WITH OR WITHOUT AORTIC ANEURYSM. Identifiers: MedGen C3151077, MONDO:0013418, OMIM 613780.

Submission:

Labcorp Genetics (formerly Invitae), Labcorp
Classification: Uncertain significance for Aortic aneurysm, familial thoracic 7. Last evaluated: 2025-02-07. Review status: criteria provided, single submitter. Criteria: Invitae Variant Classification Sherloc (09022015). Collection method: clinical testing. Allele origin: germline.
Comment: This sequence change replaces valine, which is neutral and non-polar, with methionine, which is neutral and non-polar, at codon 1222 of the MYLK protein (p.Val1222Met). This variant is not present in population databases (gnomAD no frequency). This variant has not been reported in the literature in individuals affected with MYLK-related conditions. Invitae Evidence Modeling of protein sequence and biophysical properties (such as structural, functional, and spatial information, amino acid conservation, physicochemical variation, residue mobility, and thermodynamic stability) indicates that this missense variant is not expected to disrupt MYLK protein function with a negative predictive value of 80%. In summary, the available evidence is currently insufficient to determine the role of this variant in disease. Therefore, it has been classified as a Variant of Uncertain Significance.

NM_053025.4(MYLK):c.3664G>A (p.Val1222Met)

Gene: MYLK (myosin light chain kinase; minus strand). Cytogenetic location: 3q21.1.
Variant type: single nucleotide variant.
Coding change: c.3664G>A on transcript NM_053025.4 (MANE Select); coding-DNA position 3664, G replaced by A.
Protein change: p.Val1222Met; replaces valine 1222 with methionine.
Molecular consequence: missense variant.
Genome position (GRCh38, 1-based): chr3:123,667,176, C>T on the plus strand (G>A on the coding strand, the complement: MYLK is on the minus strand). VCF-style: chr3-123667176-C-T. GRCh37 (hg19) VCF-style: chr3-123386023-C-T.
Other names: c.3136G>A, p.Val1046Met (NM_001321309.2); c.3457G>A, p.Val1153Met (NM_053026.4, NM_053028.4); c.3664G>A, p.Val1222Met (NM_053027.4); short protein forms V1046M, V1222M, V1153M.
Identifiers: ClinVar variation 4753704 (VCV004753704.1).
Genomic context (GRCh38, chr3:123,667,176, plus strand): 5'-GATAGTGCCGTGGCCAATTACCTGCCTTCGGAGGTGTCTTGGGGGCAGGTTTCTTTTTCA[C>T]AGTCGCATCACCTGAAACAAAGAAGTTCACAAGTTATTTCCTGTAGTTCTGTTTTTTTCA-3'
Protein context (NP_444253.3, residues 1212-1232): PVLGTESDAT[Val1222Met]KKKPAPKTPP